The following is an entry in ClinVar:

NM_001205293.3(CACNA1E):c.802T>C (p.Cys268Arg)

Gene: CACNA1E (calcium voltage-gated channel subunit alpha1 E; plus strand). Cytogenetic location: 1q25.3.
Variant type: single nucleotide variant.
Coding change: c.802T>C on transcript NM_001205293.3 (MANE Select); coding-DNA position 802, T replaced by C.
Protein change: p.Cys268Arg; replaces cysteine 268 with arginine.
Molecular consequence: missense variant.
Genome position (GRCh38, 1-based): chr1:181,580,627, T>C. VCF-style: chr1-181580627-T-C. GRCh37 (hg19) VCF-style: chr1-181549763-T-C.
Other names: c.802T>C, p.Cys268Arg (NM_000721.4, NM_001205294.2); short protein forms C268R.
Identifiers: ClinVar variation 2576620 (VCV002576620.2), dbSNP rs1651428613, ClinGen allele CA343847346.

ClinVar aggregate classification (germline): Uncertain significance (1 of 4 stars; one submission).

Conditions:
Developmental and epileptic encephalopathy, 69. Also called: EPILEPTIC ENCEPHALOPATHY, EARLY INFANTILE, 69. Identifiers: MedGen C4748988, MONDO:0032657, OMIM 618285.

Submission:

Institute of Human Genetics, University of Leipzig Medical Center
Classification: Uncertain significance for Developmental and epileptic encephalopathy, 69. Last evaluated: 2023-06-28. Review status: criteria provided, single submitter. Criteria: ACMG Guidelines, 2015. Collection method: clinical testing. Allele origin: unknown. Inheritance: Autosomal dominant inheritance. Affected: yes.
Comment: Criteria applied: PM1,PM2_SUP,PP3